The following is an entry in ClinVar:

NM_020750.3(XPO5):c.2636A>G (p.Asn879Ser)

Genes: POLR1C (RNA polymerase I and III subunit C; plus strand), XPO5 (exportin 5; minus strand). Cytogenetic location: 6p21.1.
Variant type: single nucleotide variant.
Coding change: c.2636A>G on transcript NM_020750.3 (MANE Select); coding-DNA position 2636, A replaced by G.
Protein change: p.Asn879Ser; replaces asparagine 879 with serine.
Molecular consequence: missense variant. On other transcripts: non-coding transcript variant (1), intron variant (1).
Genome position (GRCh38, 1-based): chr6:43,530,729, T>C on the plus strand (A>G on the coding strand, the complement: XPO5 is on the minus strand). VCF-style: chr6-43530729-T-C. GRCh37 (hg19) VCF-style: chr6-43498467-T-C.
Other names: c.922+9681T>C (NM_001363658.2); short protein forms N879S.
Identifiers: ClinVar variation 3711482 (VCV003711482.3).
Genomic context (GRCh38, chr6:43,530,729, plus strand): 5'-GAGACTTTTGAAAGGATATGAAGCATGGGTCTGAGTCGGTAGTCAGGAATATTGTTCAAG[T>C]TGACAAAGGCTGAGCTGAGAAGCTGGGTAGCAAGGTCCTCCACAGTATAGAAGTCTTGCT-3'
Protein context (NP_065801.1, residues 869-889): ATQLLSSAFV[Asn879Ser]LNNIPDYRLR

ClinVar aggregate classification (germline): Uncertain significance. Review status: criteria provided, multiple submitters, no conflicts (2 of 4 stars). 2 submissions from 2 submitters: Uncertain significance (2). Last evaluated 2025-12-03.

gnomAD v4.1: 92 of 1,614,000 alleles (0.0057%); highest among the groups gnomAD compares: South Asian, 0.087%; 2 homozygotes.

Submissions (2):

Labcorp Genetics (formerly Invitae), Labcorp
Classification: Uncertain significance. Last evaluated: 2025-12-03. Review status: criteria provided, single submitter. Criteria: Invitae Variant Classification Sherloc (09022015). Collection method: clinical testing. Allele origin: germline.
Comment: This sequence change replaces asparagine, which is neutral and polar, with serine, which is neutral and polar, at codon 879 of the XPO5 protein (p.Asn879Ser). This variant is present in population databases (rs566775169, gnomAD 0.07%), and has an allele count higher than expected for a pathogenic variant. This variant has not been reported in the literature in individuals affected with XPO5-related conditions. ClinVar contains an entry for this variant (Variation ID: 3711482). An algorithm developed to predict the effect of missense changes on protein structure and function (PolyPhen-2) suggests that this variant is likely to be tolerated. In summary, the available evidence is currently insufficient to determine the role of this variant in disease. Therefore, it has been classified as a Variant of Uncertain Significance.

Ambry Genetics
Classification: Uncertain significance. Last evaluated: 2025-05-07. Review status: criteria provided, single submitter. Criteria: Ambry Variant Classification Scheme 2023. Collection method: clinical testing. Allele origin: germline.